The following is an entry in ClinVar:

NM_001853.4(COL9A3):c.999C>A (p.Asn333Lys)

Gene: COL9A3 (collagen type IX alpha 3 chain; plus strand). Cytogenetic location: 20q13.33.
Variant type: single nucleotide variant.
Coding change: c.999C>A on transcript NM_001853.4 (MANE Select); coding-DNA position 999, C replaced by A.
Protein change: p.Asn333Lys; replaces asparagine 333 with lysine.
Molecular consequence: missense variant.
Genome position (GRCh38, 1-based): chr20:62,828,967, C>A. VCF-style: chr20-62828967-C-A. GRCh37 (hg19) VCF-style: chr20-61460319-C-A.
Other names: short protein forms N333K.
Identifiers: ClinVar variation 3637718 (VCV003637718.2).

ClinVar aggregate classification (germline): Uncertain significance (1 of 4 stars; one submission).

gnomAD v4.1: 2 of 1,607,528 alleles (0.00012%); highest among the groups gnomAD compares: East Asian, 0.0022%; no homozygotes.

Submission:

Labcorp Genetics (formerly Invitae), Labcorp
Classification: Uncertain significance. Last evaluated: 2024-08-17. Review status: criteria provided, single submitter. Criteria: Invitae Variant Classification Sherloc (09022015). Collection method: clinical testing. Allele origin: germline.
Comment: This sequence change replaces asparagine, which is neutral and polar, with lysine, which is basic and polar, at codon 333 of the COL9A3 protein (p.Asn333Lys). The frequency data for this variant in the population databases is considered unreliable, as metrics indicate poor data quality at this position in the gnomAD database. This variant has not been reported in the literature in individuals affected with COL9A3-related conditions. Invitae Evidence Modeling of protein sequence and biophysical properties (such as structural, functional, and spatial information, amino acid conservation, physicochemical variation, residue mobility, and thermodynamic stability) indicates that this missense variant is not expected to disrupt COL9A3 protein function with a negative predictive value of 95%. In summary, the available evidence is currently insufficient to determine the role of this variant in disease. Therefore, it has been classified as a Variant of Uncertain Significance.